The following is an entry in ClinVar:

NM_018127.7(ELAC2):c.1808+233G>C

Gene: ELAC2 (elaC ribonuclease Z 2; minus strand). Cytogenetic location: 17p12.
Variant type: single nucleotide variant.
Coding change: c.1808+233G>C on transcript NM_018127.7 (MANE Select); 233 bases into the intron after coding-DNA position 1808, G replaced by C.
Molecular consequence: intron variant.
Genome position (GRCh38, 1-based): chr17:12,995,470, C>G on the plus strand (G>C on the coding strand, the complement: ELAC2 is on the minus strand). VCF-style: chr17-12995470-C-G. GRCh37 (hg19) VCF-style: chr17-12898787-C-G.
Other names: c.1688+233G>C (NM_001165962.2); c.1805+233G>C (NM_173717.2).
Identifiers: ClinVar variation 678504 (VCV000678504.1), dbSNP rs2286340, ClinGen allele CA14480596.

ClinVar aggregate classification (germline): Benign (1 of 4 stars; one submission).

Allele frequency attached by ClinVar (database versions not stated): 1000 Genomes Project 0.19669; 1000 Genomes Project 30x 0.20112; TOPMed 0.25461; gnomAD 0.26170 and 0.26491.
gnomAD v4.1: 40,006 of 152,252 alleles (26%); highest among the groups gnomAD compares: Middle Eastern, 32%; 5,571 homozygotes.

Submission:

GeneDx
Classification: Benign. Last evaluated: 2018-06-14. Review status: criteria provided, single submitter. Criteria: GeneDx Variant Classification (06012015). Collection method: clinical testing. Allele origin: germline. Affected: yes.
Comment: This variant is considered likely benign or benign based on one or more of the following criteria: it is a conservative change, it occurs at a poorly conserved position in the protein, it is predicted to be benign by multiple in silico algorithms, and/or has population frequency not consistent with disease.